The following is an entry in ClinVar:

ClinVar aggregate classification (germline): Uncertain significance. Review status: criteria provided, multiple submitters, no conflicts (2 of 4 stars). 3 submissions from 3 submitters: Uncertain significance (2). 1 of the submissions does not count toward it. Last evaluated 2023-03-30.

Conditions:
Deficiency of butyrylcholinesterase (BCHED). Also called: Butyrylcholinesterase deficiency; Acholinesterasemia; BCHE, silent 1; Deficiency of butyrylcholine esterase. Identifiers: Orphanet 132, MedGen C1283400, MONDO:0015270, OMIM 617936.

Allele frequency attached by ClinVar (database versions not stated): gnomAD 0.00002.
gnomAD v4.1: 50 of 1,613,866 alleles (0.0031%); highest among the groups gnomAD compares: Non-Finnish European, 0.0038%; no homozygotes.

Submissions (3):

Women's Health and Genetics/Laboratory Corporation of America, LabCorp
Classification: Uncertain significance. Last evaluated: 2023-03-30. Review status: criteria provided, single submitter. Criteria: LabCorp Variant Classification Summary - May 2015. Collection method: clinical testing. Allele origin: germline.
Comment: Variant summary: BCHE c.459A>T (p.Leu153Phe) results in a non-conservative amino acid change located in the Carboxylesterase, type B domain (IPR002018) of the encoded protein sequence. Five of five in-silico tools predict a damaging effect of the variant on protein function. The variant allele was found at a frequency of 2.8e-05 in 250984 control chromosomes. The available data on variant occurrences in the general population are insufficient to allow any conclusion about variant significance. c.459A>T has been reported in the literature as a silent allele, BCHE*125F, in individuals affected with Deficiency Of Butyrylcholine Esterase (example, Primo-Parmo_1996). These report(s) do not provide unequivocal conclusions about association of the variant with Deficiency Of Butyrylcholine Esterase. At least one publication reports experimental evidence evaluating an impact on protein function, however, does not allow convincing conclusions about the variant effect as the reduced activity levels were correlated to reduced protein expression as reported in this study (Primo-Parmo_1996). Two clinical diagnostic laboratories have submitted clinical-significance assessments for this variant to ClinVar after 2014 without evidence for independent evaluation. All laboratories classified the variant as uncertain significance. Based on the evidence outlined above, the variant was classified as uncertain significance.

Fulgent Genetics
Classification: Uncertain significance for Deficiency of butyrylcholinesterase. Last evaluated: 2021-08-20. Review status: criteria provided, single submitter. Criteria: ACMG Guidelines, 2015. Collection method: clinical testing. Allele origin: unknown.

Counsyl
Classification: Uncertain significance for Deficiency of butyrylcholinesterase. Last evaluated: 2017-11-08. Review status: no assertion criteria provided. Collection method: clinical testing. Allele origin: unknown. Not counted in ClinVar's aggregate classification.

Literature cited by the submitters: PubMed 8554068 (cited by Women's Health and Genetics/Laboratory Corporation of America, LabCorp and Counsyl).

NM_000055.4(BCHE):c.459A>T (p.Leu153Phe)

Gene: BCHE (butyrylcholinesterase; minus strand). Cytogenetic location: 3q26.1.
Variant type: single nucleotide variant.
Coding change: c.459A>T on transcript NM_000055.4 (MANE Select); coding-DNA position 459, A replaced by T.
Protein change: p.Leu153Phe; replaces leucine 153 with phenylalanine.
Molecular consequence: missense variant. On other transcripts: non-coding transcript variant (1).
Genome position (GRCh38, 1-based): chr3:165,830,575, T>A on the plus strand (A>T on the coding strand, the complement: BCHE is on the minus strand). VCF-style: chr3-165830575-T-A. GRCh37 (hg19) VCF-style: chr3-165548363-T-A.
Other names: c.459A>T (NM_000055.3); short protein forms L153F.
Identifiers: ClinVar variation 554917 (VCV000554917.4), dbSNP rs747598704, ClinGen allele CA2692501.
Genomic context (GRCh38, chr3:165,830,575, plus strand): 5'-GTTCATTGACACTACAATAACTCTTTCAACCCGAGCCAGAAACTTGCCATCATAAACATG[T>A]AAAGATGATGTTCCAGTTTGAAAACCACCACCATAAATCCATATCAATACAGTGGCATTT-3'
Protein context (NP_000046.1, residues 143-163): GGGFQTGTSS[Leu153Phe]HVYDGKFLAR